The following is an entry in ClinVar:

NM_001672.3(ASIP):c.78T>C (p.Pro26=)

Genes: AHCY (adenosylhomocysteinase; minus strand), ASIP (agouti signaling protein; plus strand). Cytogenetic location: 20q11.22.
Variant type: single nucleotide variant.
Coding change: c.78T>C on transcript NM_001672.3 (MANE Select); coding-DNA position 78, T replaced by C.
Protein change: p.Pro26=; no amino-acid change (proline 26 retained).
Molecular consequence: synonymous variant.
Genome position (GRCh38, 1-based): chr20:34,260,452, T>C. VCF-style: chr20-34260452-T-C. GRCh37 (hg19) VCF-style: chr20-32848258-T-C.
Other names: c.78T>C, p.Pro26= (NM_001385218.1).
Identifiers: ClinVar variation 4993623 (VCV004993623.1).
Genomic context (GRCh38, chr20:34,260,452, plus strand): 5'-ACTCCTGGCCACCCTGCTGGTCTTCCTCTGCTTCTTCACTGCCAACAGCCACCTGCCACC[T>C]GAGGAGAAGCTCCGAGATGACAGGAGCCTGAGAAGCAACTCCTCTGTGAACCTACTGGAT-3'
Protein context (NP_001663.2, residues 16-36): CFFTANSHLP[Pro26=]EEKLRDDRSL

ClinVar aggregate classification (germline): Likely benign (1 of 4 stars; one submission).

Conditions:
ASIP-related condition.

Submission:

PreventionGenetics, part of Exact Sciences
Classification: Likely benign for ASIP-related condition. Last evaluated: 2026-07-08. Review status: criteria provided, single submitter. Criteria: ACMG Guidelines, 2015. Collection method: clinical testing. Allele origin: germline.
Comment: This variant is classified as likely benign based on ACMG/AMP sequence variant interpretation guidelines (Richards et al. 2015 PMID: 25741868, with internal and published modifications).